The following is an entry in ClinVar:

ClinVar aggregate classification (germline): Uncertain significance (1 of 4 stars; one submission).

Conditions:
Ehlers-Danlos syndrome, classic type, 1 (EDSCL1). Also called: EHLERS-DANLOS SYNDROME, GRAVIS TYPE; EHLERS-DANLOS SYNDROME, SEVERE CLASSIC TYPE; Ehlers-Danlos syndrome, type 1; Ehlers-Danlos Syndrome, Classic Type, COL5A1-Related; EDS I. Identifiers: MedGen C0268335, MONDO:0019567, OMIM 130000.

Submission:

Labcorp Genetics (formerly Invitae), Labcorp
Classification: Uncertain significance for Ehlers-Danlos syndrome, classic type, 1. Last evaluated: 2026-01-11. Review status: criteria provided, single submitter. Criteria: Invitae Variant Classification Sherloc (09022015). Collection method: clinical testing. Allele origin: germline.
Comment: This sequence change replaces glycine, which is neutral and non-polar, with serine, which is neutral and polar, at codon 1495 of the COL5A1 protein (p.Gly1495Ser). Information on the frequency of this variant in the gnomAD database is not available, as this variant may be reported differently in the database. This missense change has been observed in individual(s) with Ehlers-Danlos syndrome (PMID: 30858776). Experimental studies and prediction algorithms are not available or were not evaluated, and the functional significance of this variant is currently unknown. This variant disrupts the triple helix domain of COL5A1. Glycine residues within the Gly-Xaa-Yaa repeats of the triple helix domain are required for the structure and stability of fibrillar collagens (PMID: 7695699, 8218237, 19344236), and variants at these glycine residues in COL5A1 are more frequently observed in individuals with disease than in the general population (PMID: 22696272, 23587214). However, the clinical significance of this observation remains uncertain since only a limited number of affected individuals have been described to date. This variant disrupts the p.Gly1495 amino acid residue in COL5A1. Other variant(s) that disrupt this residue have been observed in individuals with COL5A1-related conditions (PMID: 35723357), which suggests that this may be a clinically significant amino acid residue. In summary, the available evidence is currently insufficient to determine the role of this variant in disease. Therefore, it has been classified as a Variant of Uncertain Significance.

Literature cited by the submitters: PubMed 30858776; PubMed 7695699; PubMed 8218237; PubMed 19344236; PubMed 22696272; PubMed 23587214; PubMed 35723357.

NM_000093.5(COL5A1):c.4482_4483delinsCA (p.Gly1495Ser)

Genes: COL5A1 (collagen type V alpha 1 chain; plus strand), LOC101448202 (uncharacterized LOC101448202; minus strand). Cytogenetic location: 9q34.3.
Variant type: Indel.
Coding change: c.4482_4483delinsCA on transcript NM_000093.5 (MANE Select); coding-DNA positions 4482 to 4483, GG replaced by CA.
Protein change: p.Gly1495Ser; replaces glycine 1495 with serine.
Molecular consequence: missense variant. On other transcripts: non-coding transcript variant (1).
Genome position (GRCh38, 1-based): chr9:134,820,151-134,820,152, GG replaced by CA. VCF-style: chr9-134820151-GG-CA. GRCh37 (hg19) VCF-style: chr9-137711997-GG-CA.
Other names: c.4482_4483delinsCA, p.Gly1495Ser (NM_001278074.1); short protein forms G1495S.
Identifiers: ClinVar variation 4734580 (VCV004734580.1).